The following is an entry in ClinVar:

NM_018713.3(SLC30A10):c.167G>C (p.Ser56Thr)

Gene: SLC30A10 (solute carrier family 30 member 10; minus strand). Cytogenetic location: 1q41.
Variant type: single nucleotide variant.
Coding change: c.167G>C on transcript NM_018713.3 (MANE Select); coding-DNA position 167, G replaced by C.
Protein change: p.Ser56Thr; replaces serine 56 with threonine.
Molecular consequence: missense variant. On other transcripts: non-coding transcript variant (1), intron variant (1).
Genome position (GRCh38, 1-based): chr1:219,928,274, C>G on the plus strand (G>C on the coding strand, the complement: SLC30A10 is on the minus strand). VCF-style: chr1-219928274-C-G. GRCh37 (hg19) VCF-style: chr1-220101616-C-G.
Other names: c.452-1169G>C (NM_001376929.1); short protein forms S56T.
Identifiers: ClinVar variation 1309414 (VCV001309414.2), dbSNP rs1241483390, ClinGen allele CA344734195.

ClinVar aggregate classification (germline): Uncertain significance (1 of 4 stars; one submission).

Submission:

GeneDx
Classification: Uncertain significance. Last evaluated: 2019-10-29. Review status: criteria provided, single submitter. Criteria: GeneDx Variant Classification Process June 2021. Collection method: clinical testing. Allele origin: germline. Affected: yes.
Comment: Has not been previously published as pathogenic or benign to our knowledge; Not observed in large population cohorts (Lek et al., 2016); In silico analysis, which includes protein predictors and evolutionary conservation, supports that this variant does not alter protein structure/function